The following is an entry in ClinVar:

NM_006709.5(EHMT2):c.2344-19_2344-16del

Gene: EHMT2 (euchromatic histone lysine methyltransferase 2; minus strand). Cytogenetic location: 6p21.33.
Variant type: Deletion.
Coding change: c.2344-19_2344-16del on transcript NM_006709.5 (MANE Select); 19 bases into the intron before coding-DNA position 2344 through 16 bases into the intron before coding-DNA position 2344, 4 bases deleted (ACTC; older notation c.2344-19_2344-16delACTC).
Molecular consequence: intron variant. On other transcripts: frameshift variant (1).
Genome position (GRCh38, 1-based): chr6:31,885,032-31,885,035, GAGT deleted on the plus strand (ACTC on the coding strand, the reverse complement: EHMT2 is on the minus strand); deleting any 4 consecutive bases within chr6:31,885,032-31,885,038 gives the same sequence; the c. name uses the placement nearest the transcript's 3' end. VCF-style (leftmost placement, unchanged base first): chr6-31885031-GGAGT-G. GRCh37 (hg19) VCF-style: chr6-31852808-GGAGT-G.
Other names: c.2262_2265del, p.Ser757fs (NM_001395161.1); c.2086-19_2086-16del (NM_001395165.1); c.2242-19_2242-16del (NM_025256.7, NM_001395163.1); c.2344-236_2344-233del (NM_001395164.1); c.2344-19_2344-16del (NM_001395162.1, NM_001395160.1); c.1717-19_1717-16del (NM_001318833.2); c.2413-19_2413-16del (NM_001289413.2); c.2515-19_2515-16del (NM_001363689.2); short protein forms S757fs.
Identifiers: ClinVar variation 4813201 (VCV004813201.1).

ClinVar aggregate classification (germline): Uncertain significance (1 of 4 stars; one submission).

Conditions:
Syndromic neurodevelopmental disorder.

Submission:

Laboratory of Human Genetics, Universidade de São Paulo
Classification: Uncertain significance for syndromic neurodevelopmental disorder. Last evaluated: 2026-02-01. Review status: criteria provided, single submitter. Criteria: ACMG Guidelines, 2015. Collection method: clinical testing. Allele origin: germline. Inheritance: Autosomal recessive inheritance. Affected: yes. Observed: 1 variant allele, 1 heterozygote.
Comment: The maternally inherited EHMT2 variant leads to multiple aberrant splicing events affecting a subset of transcripts (~25% of reads), as demonstrated by RNA sequencing. Genome-wide DNA methylation profiling showed episignature overlap with Kleefstra syndrome type 1. However, given that EHMT2 is an emerging candidate gene with limited case evidence to date, this variant is currently classified as a Variant of Uncertain Significance.

Literature cited by the submitters: PubMed 39674972.